The following is an entry in ClinVar:

NM_005045.4(RELN):c.88T>C (p.Tyr30His)

Gene: RELN (reelin; minus strand). Cytogenetic location: 7q22.1.
Variant type: single nucleotide variant.
Coding change: c.88T>C on transcript NM_005045.4 (MANE Select); coding-DNA position 88, T replaced by C.
Protein change: p.Tyr30His; replaces tyrosine 30 with histidine.
Molecular consequence: missense variant.
Genome position (GRCh38, 1-based): chr7:103,989,269, A>G on the plus strand (T>C on the coding strand, the complement: RELN is on the minus strand). VCF-style: chr7-103989269-A-G. GRCh37 (hg19) VCF-style: chr7-103629716-A-G.
Other names: c.88T>C, p.Tyr30His (NM_173054.3); short protein forms Y30H.
Identifiers: ClinVar variation 3749962 (VCV003749962.2).

ClinVar aggregate classification (germline): Uncertain significance (1 of 4 stars; one submission).

Conditions:
Familial temporal lobe epilepsy 7. Identifiers: Orphanet 101046, MedGen C4225327, MONDO:0014639, OMIM 616436.
Norman-Roberts syndrome (LIS2). Also called: Lissencephaly 2 (Norman-Roberts type). Identifiers: Orphanet 89844, MedGen C0796089, MONDO:0009760, OMIM 257320.

gnomAD v4.1: 3 of 1,613,562 alleles (0.00019%); highest among the groups gnomAD compares: Middle Eastern, 0.017%; no homozygotes.

Submission:

Labcorp Genetics (formerly Invitae), Labcorp
Classification: Uncertain significance for Familial temporal lobe epilepsy 7; Norman-Roberts syndrome. Last evaluated: 2024-09-19. Review status: criteria provided, single submitter. Criteria: Invitae Variant Classification Sherloc (09022015). Collection method: clinical testing. Allele origin: germline.
Comment: This sequence change replaces tyrosine, which is neutral and polar, with histidine, which is basic and polar, at codon 30 of the RELN protein (p.Tyr30His). This variant is present in population databases (rs764175823, gnomAD 0.003%). This variant has not been reported in the literature in individuals affected with RELN-related conditions. Invitae Evidence Modeling of protein sequence and biophysical properties (such as structural, functional, and spatial information, amino acid conservation, physicochemical variation, residue mobility, and thermodynamic stability) indicates that this missense variant is not expected to disrupt RELN protein function with a negative predictive value of 80%. In summary, the available evidence is currently insufficient to determine the role of this variant in disease. Therefore, it has been classified as a Variant of Uncertain Significance.